The following is an entry in ClinVar:

NM_000135.4(FANCA):c.2689C>G (p.His897Asp)

Genes: FANCA (FA complementation group A; minus strand), LOC130059837 (ATAC-STARR-seq lymphoblastoid active region 11420; plus strand). Cytogenetic location: 16q24.3.
Variant type: single nucleotide variant.
Coding change: c.2689C>G on transcript NM_000135.4 (MANE Select); coding-DNA position 2689, C replaced by G.
Protein change: p.His897Asp; replaces histidine 897 with aspartic acid.
Molecular consequence: missense variant.
Genome position (GRCh38, 1-based): chr16:89,764,979, G>C on the plus strand (C>G on the coding strand, the complement: FANCA is on the minus strand). VCF-style: chr16-89764979-G-C. GRCh37 (hg19) VCF-style: chr16-89831387-G-C.
Other names: c.2689C>G, p.His897Asp (NM_001286167.3); c.2689C>G (NM_000135.2); short protein forms H897D.
Identifiers: ClinVar variation 1497105 (VCV001497105.6), dbSNP rs766402927, ClinGen allele CA8251592.
Genomic context (GRCh38, chr16:89,764,979, plus strand): 5'-GGAAGGTTCTGTGTGTCCAGAGAGAGAGGGCAGCTCTCTGCCAGTCTGCAGAAGGAAGGT[G>C]CAAGGGTCTCCAGGAAAGGCTGGCTACGTCCTCCTCAGAAAGAGGCTGTCGGGCCTCTGA-3'
Protein context (NP_000126.2, residues 887-907): DVASLSWRPL[His897Asp]LPSADWQRAA

ClinVar aggregate classification (germline): Uncertain significance. Review status: criteria provided, multiple submitters, no conflicts (2 of 4 stars). 3 submissions from 3 submitters: Uncertain significance (3). Last evaluated 2025-02-06.

Conditions:
Inborn genetic diseases. Identifiers: MedGen C0950123, MeSH D030342.
Fanconi anemia complementation group A (FANCA). Also called: FANCA-Related Fanconi Anemia; Fanconi anemia, group A. Identifiers: Orphanet 84, MedGen C3469521, MONDO:0009215, OMIM 227650.
Fanconi anemia (FA). Also called: Fanconi's anemia. Identifiers: Orphanet 84, MedGen C0015625, MeSH D005199, MONDO:0019391.

Allele frequency attached by ClinVar (database versions not stated): gnomAD 0.00001 and 0.00002; TOPMed 0.00001.
gnomAD v4.1: 11 of 1,614,128 alleles (0.00068%); highest among the groups gnomAD compares: African/African-American, 0.004%; no homozygotes.

Submissions (3):

Ambry Genetics
Classification: Uncertain significance for Inborn genetic diseases. Last evaluated: 2025-02-06. Review status: criteria provided, single submitter. Criteria: Ambry Variant Classification Scheme 2023. Collection method: clinical testing. Allele origin: germline.
Comment: The p.H897D variant (also known as c.2689C>G), located in coding exon 28 of the FANCA gene, results from a C to G substitution at nucleotide position 2689. The histidine at codon 897 is replaced by aspartic acid, an amino acid with similar properties. This amino acid position is conserved. In addition, this alteration is predicted to be tolerated by in silico analysis. Based on the available evidence, the clinical significance of this variant remains unclear.

Fulgent Genetics
Classification: Uncertain significance for Fanconi anemia complementation group A. Last evaluated: 2024-02-17. Review status: criteria provided, single submitter. Criteria: ACMG Guidelines, 2015. Collection method: clinical testing. Allele origin: germline.

Labcorp Genetics (formerly Invitae), Labcorp
Classification: Uncertain significance for Fanconi anemia. Last evaluated: 2023-12-17. Review status: criteria provided, single submitter. Criteria: Invitae Variant Classification Sherloc (09022015). Collection method: clinical testing. Allele origin: germline.
Comment: This sequence change replaces histidine, which is basic and polar, with aspartic acid, which is acidic and polar, at codon 897 of the FANCA protein (p.His897Asp). This variant is present in population databases (rs766402927, gnomAD 0.006%). This variant has not been reported in the literature in individuals affected with FANCA-related conditions. ClinVar contains an entry for this variant (Variation ID: 1497105). Advanced modeling of protein sequence and biophysical properties (such as structural, functional, and spatial information, amino acid conservation, physicochemical variation, residue mobility, and thermodynamic stability) performed at Invitae indicates that this missense variant is not expected to disrupt FANCA protein function with a negative predictive value of 80%. In summary, the available evidence is currently insufficient to determine the role of this variant in disease. Therefore, it has been classified as a Variant of Uncertain Significance.